The following is an entry in ClinVar:

ClinVar aggregate classification (germline): Benign. Review status: criteria provided, multiple submitters, no conflicts (2 of 4 stars). 2 submissions from 2 submitters: Benign (2). Last evaluated 2017-05-09.

Allele frequency attached by ClinVar (database versions not stated): ESP Exome Variant Server 0.16899; 1000 Genomes Project 0.19449; gnomAD 0.20054 and 0.19945; TOPMed 0.20574; 1000 Genomes Project 30x 0.19410.
gnomAD v4.1: 313,839 of 1,519,566 alleles (21%); highest among the groups gnomAD compares: Middle Eastern, 30%; 33,028 homozygotes.

Submissions (2):

GeneDx
Classification: Benign. Last evaluated: 2017-05-09. Review status: criteria provided, single submitter. Criteria: GeneDx Variant Classification (06012015). Collection method: clinical testing. Allele origin: germline. Affected: yes.
Comment: This variant is considered likely benign or benign based on one or more of the following criteria: it is a conservative change, it occurs at a poorly conserved position in the protein, it is predicted to be benign by multiple in silico algorithms, and/or has population frequency not consistent with disease.

Breakthrough Genomics
Classification: Benign. Review status: criteria provided, single submitter. Criteria: ACMG Guidelines, 2015. Collection method: not provided. Allele origin: germline. Inheritance: Autosomal recessive inheritance. Affected: yes.

NM_178138.6(LHX3):c.-40A>C

Gene: LHX3 (LIM homeobox 3; minus strand). Cytogenetic location: 9q34.3.
Variant type: single nucleotide variant.
Coding change: c.-40A>C on transcript NM_178138.6 (MANE Select); 40 bases upstream of the start codon, A replaced by C.
Molecular consequence: 5 prime UTR variant.
Genome position (GRCh38, 1-based): chr9:136,205,052, T>G on the plus strand (A>C on the coding strand, the complement: LHX3 is on the minus strand). VCF-style: chr9-136205052-T-G. GRCh37 (hg19) VCF-style: chr9-139096898-T-G.
Identifiers: ClinVar variation 508120 (VCV000508120.4), dbSNP rs10858245, ClinGen allele CA5330655.